The following is an entry in ClinVar:

NM_001267550.2(TTN):c.19994-8C>G

Genes: TTN (titin; minus strand), LOC126806429 (BRD4-independent group 4 enhancer GRCh37_chr2:179591393-179592592; plus strand). Cytogenetic location: 2q31.2.
Variant type: single nucleotide variant.
Coding change: c.19994-8C>G on transcript NM_001267550.2 (MANE Select); 8 bases into the intron before coding-DNA position 19994, C replaced by G.
Molecular consequence: intron variant.
Genome position (GRCh38, 1-based): chr2:178,727,379, G>C on the plus strand (C>G on the coding strand, the complement: TTN is on the minus strand). VCF-style: chr2-178727379-G-C. GRCh37 (hg19) VCF-style: chr2-179592106-G-C.
Other names: c.13282+10703C>G (NM_003319.4); c.13858+10703C>G (NM_133437.4); c.13657+10703C>G (NM_133432.3); c.16262-8C>G (NM_133378.4); c.19043-8C>G (NM_001256850.1).
Identifiers: ClinVar variation 3373555 (VCV003373555.1).

ClinVar aggregate classification (germline): Uncertain significance (1 of 4 stars; one submission).

Submission:

GeneDx
Classification: Uncertain significance. Last evaluated: 2024-02-29. Review status: criteria provided, single submitter. Criteria: GeneDx Variant Classification Process June 2021. Collection method: clinical testing. Allele origin: germline. Affected: yes.
Comment: Not observed at significant frequency in large population cohorts (gnomAD); In silico analysis supports a deleterious effect on splicing; Has not been previously published as pathogenic or benign to our knowledge